The following is an entry in ClinVar:

NM_015021.3(ZNF292):c.1523T>A (p.Leu508His)

Gene: ZNF292 (zinc finger protein 292; plus strand). Cytogenetic location: 6q14.3.
Variant type: single nucleotide variant.
Coding change: c.1523T>A on transcript NM_015021.3 (MANE Select); coding-DNA position 1523, T replaced by A.
Protein change: p.Leu508His; replaces leucine 508 with histidine.
Molecular consequence: missense variant.
Genome position (GRCh38, 1-based): chr6:87,255,152, T>A. VCF-style: chr6-87255152-T-A. GRCh37 (hg19) VCF-style: chr6-87964870-T-A.
Other names: c.1103T>A, p.Leu368His (NM_001351444.2); short protein forms L368H, L508H.
Identifiers: ClinVar variation 4072704 (VCV004072704.1).

ClinVar aggregate classification (germline): Uncertain significance (1 of 4 stars; one submission).

Submission:

GeneDx
Classification: Uncertain significance. Last evaluated: 2025-01-30. Review status: criteria provided, single submitter. Criteria: GeneDx Variant Classification Process June 2021. Collection method: clinical testing. Allele origin: germline. Affected: yes.
Comment: Not observed at significant frequency in large population cohorts (gnomAD); In silico analysis indicates that this missense variant does not alter protein structure/function; Has not been previously published as pathogenic or benign to our knowledge